The following is an entry in ClinVar:

ClinVar aggregate classification (germline): Uncertain significance. Review status: criteria provided, multiple submitters, no conflicts (2 of 4 stars). 4 submissions from 4 submitters: Uncertain significance (4). Last evaluated 2025-12-13.

Conditions:
Hereditary nonpolyposis colorectal neoplasms. Identifiers: MedGen C0009405, MeSH D003123.
Hereditary cancer-predisposing syndrome. Also called: Hereditary neoplastic syndrome; Hereditary Cancer Syndrome; Neoplastic Syndromes, Hereditary; Tumor predisposition. Identifiers: Orphanet 140162, MedGen C0027672, MeSH D009386, MONDO:0015356.
Endometrial carcinoma. Also called: Endometrial carcinoma, somatic. Identifiers: MedGen C0476089, MONDO:0002447, OMIM 608089, HP:0012114.

Submissions (4):

Ambry Genetics
Classification: Uncertain significance for Hereditary cancer-predisposing syndrome. Last evaluated: 2025-12-13. Review status: criteria provided, single submitter. Criteria: Ambry Variant Classification Scheme 2023. Collection method: clinical testing. Allele origin: germline.
Comment: The p.A737G variant (also known as c.2210C>G), located in coding exon 4 of the MSH6 gene, results from a C to G substitution at nucleotide position 2210. The alanine at codon 737 is replaced by glycine, an amino acid with similar properties. This amino acid position is not well conserved in available vertebrate species. In addition, this alteration is predicted to be tolerated by in silico analysis. Since supporting evidence is limited at this time, the clinical significance of this alteration remains unclear.

Labcorp Genetics (formerly Invitae), Labcorp
Classification: Uncertain significance for Hereditary nonpolyposis colorectal neoplasms. Last evaluated: 2025-10-26. Review status: criteria provided, single submitter. Criteria: Invitae Variant Classification Sherloc (09022015). Collection method: clinical testing. Allele origin: germline.
Comment: This sequence change replaces alanine, which is neutral and non-polar, with glycine, which is neutral and non-polar, at codon 737 of the MSH6 protein (p.Ala737Gly). This variant is not present in population databases (gnomAD no frequency). This variant has not been reported in the literature in individuals affected with MSH6-related conditions. ClinVar contains an entry for this variant (Variation ID: 237153). Invitae Evidence Modeling of protein sequence and biophysical properties (such as structural, functional, and spatial information, amino acid conservation, physicochemical variation, residue mobility, and thermodynamic stability) indicates that this missense variant is not expected to disrupt MSH6 protein function with a negative predictive value of 95%. In summary, the available evidence is currently insufficient to determine the role of this variant in disease. Therefore, it has been classified as a Variant of Uncertain Significance.

Color Diagnostics, LLC DBA Color Health
Classification: Uncertain significance for Hereditary cancer-predisposing syndrome. Last evaluated: 2024-03-06. Review status: criteria provided, single submitter. Criteria: ACMG Guidelines, 2015. Collection method: clinical testing. Allele origin: germline.
Comment: This missense variant replaces alanine with glycine at codon 737 of the MSH6 protein. Computational prediction tool suggests that this variant may not impact protein structure and function (internally defined REVEL score threshold <=0.5, PMID: 27666373). Splice site prediction tools suggest that this variant may not impact RNA splicing. To our knowledge, functional studies have not been performed for this variant. This variant has not been reported in individuals affected with hereditary cancer in the literature. This variant has not been identified in the general population by the Genome Aggregation Database (gnomAD). The available evidence is insufficient to determine the role of this variant in disease conclusively. Therefore, this variant is classified as a Variant of Uncertain Significance.

Baylor Genetics
Classification: Uncertain significance for Endometrial carcinoma. Last evaluated: 2023-10-19. Review status: criteria provided, single submitter. Criteria: ACMG Guidelines, 2015. Collection method: clinical testing. Allele origin: unknown.

NM_000179.3(MSH6):c.2210C>G (p.Ala737Gly)

Gene: MSH6 (mutS homolog 6; plus strand). Cytogenetic location: 2p16.3.
Variant type: single nucleotide variant.
Coding change: c.2210C>G on transcript NM_000179.3 (MANE Select); coding-DNA position 2210, C replaced by G.
Protein change: p.Ala737Gly; replaces alanine 737 with glycine.
Molecular consequence: missense variant.
Genome position (GRCh38, 1-based): chr2:47,800,193, C>G. VCF-style: chr2-47800193-C-G. GRCh37 (hg19) VCF-style: chr2-48027332-C-G.
Other names: c.1820C>G, p.Ala607Gly (NM_001281492.2); c.1304C>G, p.Ala435Gly (NM_001281493.2, NM_001281494.2); short protein forms A737G, A435G, A607G.
Identifiers: ClinVar variation 237153 (VCV000237153.19), dbSNP rs869312798, ClinGen allele CA10582060.